The following is an entry in ClinVar:

ClinVar aggregate classification (germline): Conflicting classifications of pathogenicity. Review status: criteria provided, conflicting classifications (1 of 4 stars). 5 submissions from 5 submitters: Uncertain significance (3); Likely benign (1). 1 of the submissions does not count toward it. Last evaluated 2025-09-23.

Conditions:
Inborn genetic diseases. Identifiers: MedGen C0950123, MeSH D030342.
Retinal dystrophy. Also called: Inherited retinal dystrophy. Identifiers: Orphanet 71862, MedGen C0854723, MeSH D058499, MONDO:0019118, HP:0000556.

Allele frequency attached by ClinVar (database versions not stated): ExAC 0.00008; ESP Exome Variant Server 0.00031; TOPMed 0.00035; gnomAD 0.00036 and 0.00042.
gnomAD v4.1: 96 of 1,614,010 alleles (0.0059%); highest among the groups gnomAD compares: African/African-American, 0.12%; no homozygotes.

Submissions (5):

Labcorp Genetics (formerly Invitae), Labcorp
Classification: Uncertain significance. Last evaluated: 2025-09-23. Review status: criteria provided, single submitter. Criteria: Invitae Variant Classification Sherloc (09022015). Collection method: clinical testing. Allele origin: germline.
Comment: This sequence change replaces isoleucine, which is neutral and non-polar, with valine, which is neutral and non-polar, at codon 43 of the FBLN5 protein (p.Ile43Val). This variant is present in population databases (rs143928468, gnomAD 0.1%). This variant has not been reported in the literature in individuals affected with FBLN5-related conditions. ClinVar contains an entry for this variant (Variation ID: 1163083). An algorithm developed to predict the effect of missense changes on protein structure and function outputs the following: PolyPhen-2: "Benign". The valine amino acid residue is found in multiple mammalian species, which suggests that this missense change does not adversely affect protein function. In summary, the available evidence is currently insufficient to determine the role of this variant in disease. Therefore, it has been classified as a Variant of Uncertain Significance.

GeneDx
Classification: Uncertain significance. Last evaluated: 2024-05-09. Review status: criteria provided, single submitter. Criteria: GeneDx Variant Classification Process June 2021. Collection method: clinical testing. Allele origin: germline. Affected: yes.
Comment: Has not been previously published as pathogenic or benign to our knowledge; In silico analysis indicates that this missense variant does not alter protein structure/function

Ambry Genetics
Classification: Likely benign for Inborn genetic diseases. Last evaluated: 2021-08-02. Review status: criteria provided, single submitter. Criteria: Ambry Variant Classification Scheme 2023. Collection method: clinical testing. Allele origin: germline.

Mayo Clinic Laboratories, Mayo Clinic
Classification: Uncertain significance. Last evaluated: 2019-07-15. Review status: criteria provided, single submitter. Criteria: ACMG Guidelines, 2015. Collection method: clinical testing. Allele origin: germline. Observed: 1 variant allele.

Institute of Human Genetics, Univ. Regensburg, Univ. Regensburg
Classification: Uncertain significance for Retinal dystrophy. Last evaluated: 2023-01-01. Review status: no assertion criteria provided. Criteria: ACMG Guidelines, 2015. Collection method: clinical testing. Allele origin: germline. Affected: yes. Not counted in ClinVar's aggregate classification.

NM_006329.4(FBLN5):c.127A>G (p.Ile43Val)

Gene: FBLN5 (fibulin 5; minus strand). Cytogenetic location: 14q32.12.
Variant type: single nucleotide variant.
Coding change: c.127A>G on transcript NM_006329.4 (MANE Select); coding-DNA position 127, A replaced by G.
Protein change: p.Ile43Val; replaces isoleucine 43 with valine.
Molecular consequence: missense variant. On other transcripts: 5 prime UTR variant (2).
Genome position (GRCh38, 1-based): chr14:91,937,199, T>C on the plus strand (A>G on the coding strand, the complement: FBLN5 is on the minus strand). VCF-style: chr14-91937199-T-C. GRCh37 (hg19) VCF-style: chr14-92403543-T-C.
Other names: c.250A>G, p.Ile84Val (NM_001384158.1); c.178A>G, p.Ile60Val (NM_001384159.1); c.127A>G, p.Ile43Val (NM_001384160.1); c.-42A>G (NM_001384161.1, NM_001384162.1); short protein forms I43V, I60V, I84V.
Identifiers: ClinVar variation 1163083 (VCV001163083.16), dbSNP rs143928468, ClinGen allele CA7312927.
Genomic context (GRCh38, chr14:91,937,199, plus strand): 5'-TTTGGTTAACACACATCATGTCTCCTCGGCAGGCCTCGGGGATGGTTCGGCATTCATCAA[T>C]ATCTGAAAGGCACAGAAAGGGCGAGCATTAGTGGCACCCCAACTGCCTTGTGTCCGGTGC-3'
Protein context (NP_006320.2, residues 33-53): LDRQSGQCLD[Ile43Val]DECRTIPEAC